The following is an entry in ClinVar:

NM_001374385.1(ATP8B1):c.698+13C>T

Gene: ATP8B1 (ATPase phospholipid transporting 8B1; minus strand). Cytogenetic location: 18q21.31.
Variant type: single nucleotide variant.
Coding change: c.698+13C>T on transcript NM_001374385.1 (MANE Select); 13 bases into the intron after coding-DNA position 698, C replaced by T.
Molecular consequence: intron variant.
Genome position (GRCh38, 1-based): chr18:57,697,605, G>A on the plus strand (C>T on the coding strand, the complement: ATP8B1 is on the minus strand). VCF-style: chr18-57697605-G-A. GRCh37 (hg19) VCF-style: chr18-55364837-G-A.
Other names: c.698+13C>T (NM_005603.6); c.548+13C>T (NM_001374386.1).
Identifiers: ClinVar variation 512403 (VCV000512403.4), dbSNP rs752982538, ClinGen allele CA8974753.

ClinVar aggregate classification (germline): Likely benign. Review status: criteria provided, multiple submitters, no conflicts (2 of 4 stars). 2 submissions from 2 submitters: Likely benign (2). Last evaluated 2024-03-13.

Allele frequency attached by ClinVar (database versions not stated): gnomAD exomes 0.00001 and 0.00002; ExAC 0.00004.
gnomAD v4.1: 14 of 1,613,182 alleles (0.00087%); highest among the groups gnomAD compares: South Asian, 0.011%; no homozygotes.

Submissions (2):

Labcorp Genetics (formerly Invitae), Labcorp
Classification: Likely benign. Last evaluated: 2024-03-13. Review status: criteria provided, single submitter. Criteria: Invitae Variant Classification Sherloc (09022015). Collection method: clinical testing. Allele origin: germline.

GeneDx
Classification: Likely benign. Last evaluated: 2017-10-12. Review status: criteria provided, single submitter. Criteria: GeneDx Variant Classification (06012015). Collection method: clinical testing. Allele origin: germline. Affected: yes.
Comment: This variant is considered likely benign or benign based on one or more of the following criteria: it is a conservative change, it occurs at a poorly conserved position in the protein, it is predicted to be benign by multiple in silico algorithms, and/or has population frequency not consistent with disease.